The following is an entry in ClinVar:

NM_004260.4(RECQL4):c.1273A>C (p.Thr425Pro)

Gene: RECQL4 (RecQ like helicase 4; minus strand). Cytogenetic location: 8q24.3.
Variant type: single nucleotide variant.
Coding change: c.1273A>C on transcript NM_004260.4 (MANE Select); coding-DNA position 1273, A replaced by C.
Protein change: p.Thr425Pro; replaces threonine 425 with proline.
Molecular consequence: missense variant. On other transcripts: 5 prime UTR variant (1), non-coding transcript variant (3).
Genome position (GRCh38, 1-based): chr8:144,515,443, T>G on the plus strand (A>C on the coding strand, the complement: RECQL4 is on the minus strand). VCF-style: chr8-144515443-T-G. GRCh37 (hg19) VCF-style: chr8-145740827-T-G.
Other names: c.922A>C, p.Thr308Pro (NM_001413029.1); c.136A>C, p.Thr46Pro (NM_001413030.1, NM_001413031.1, NM_001413032.1 and 2 more transcripts); c.1273A>C, p.Thr425Pro (NM_001413033.1, NM_001413036.1, NM_001413018.1 and 2 more transcripts); c.202A>C, p.Thr68Pro (NM_001413034.1, NM_001413035.1, NM_001413037.1 and 8 more transcripts); c.1177A>C, p.Thr393Pro (NM_001413017.1, NM_001413020.1); c.1144A>C, p.Thr382Pro (NM_001413025.1); c.-195A>C (NM_001413043.1); short protein forms T308P, T382P, T393P, T425P, T46P, T68P.
Identifiers: ClinVar variation 4863178 (VCV004863178.1).

ClinVar aggregate classification (germline): Uncertain significance (1 of 4 stars; one submission).

Conditions:
Inborn genetic diseases. Identifiers: MedGen C0950123, MeSH D030342.

Submission:

Ambry Genetics
Classification: Uncertain significance for Inborn genetic diseases. Last evaluated: 2026-04-28. Review status: criteria provided, single submitter. Criteria: Ambry Variant Classification Scheme 2023. Collection method: clinical testing. Allele origin: germline.
Comment: The p.T425P variant (also known as c.1273A>C), located in coding exon 7 of the RECQL4 gene, results from an A to C substitution at nucleotide position 1273. The threonine at codon 425 is replaced by proline, an amino acid with highly similar properties. This amino acid position is conserved. In addition, this alteration is predicted to be tolerated by in silico analysis. Based on the available evidence, the clinical significance of this variant remains unclear.